The following is an entry in ClinVar:

ClinVar aggregate classification (germline): Uncertain significance (1 of 4 stars; one submission).

Allele frequency attached by ClinVar (database versions not stated): ExAC 0.00001; gnomAD exomes 0.00001.
gnomAD v4.1: 8 of 1,611,438 alleles (0.0005%); highest among the groups gnomAD compares: Non-Finnish European, 0.00068%; no homozygotes.

Submission:

CeGaT Center for Human Genetics Tuebingen
Classification: Uncertain significance. Last evaluated: 2023-08-01. Review status: criteria provided, single submitter. Criteria: CeGaT Center For Human Genetics Tuebingen Variant Classification Criteria Version 2. Collection method: clinical testing. Allele origin: germline. Affected: yes. Observed: 1 variant allele.
Comment: INTS1: PM2

NM_001080453.3(INTS1):c.1823A>G (p.Tyr608Cys)

Gene: INTS1 (integrator complex subunit 1; minus strand). Cytogenetic location: 7p22.3.
Variant type: single nucleotide variant.
Coding change: c.1823A>G on transcript NM_001080453.3 (MANE Select); coding-DNA position 1823, A replaced by G.
Protein change: p.Tyr608Cys; replaces tyrosine 608 with cysteine.
Molecular consequence: missense variant.
Genome position (GRCh38, 1-based): chr7:1,495,442, T>C on the plus strand (A>G on the coding strand, the complement: INTS1 is on the minus strand). VCF-style: chr7-1495442-T-C. GRCh37 (hg19) VCF-style: chr7-1535078-T-C.
Other names: short protein forms Y608C.
Identifiers: ClinVar variation 2657210 (VCV002657210.24), dbSNP rs775208501, ClinGen allele CA4120144.